The following is an entry in ClinVar:

ClinVar aggregate classification (germline): Uncertain significance (1 of 4 stars; one submission).

Conditions:
Intellectual disability, autosomal recessive 53 (NEDHSCA). Also called: GLYCOSYLPHOSPHATIDYLINOSITOL BIOSYNTHESIS DEFECT 13; Mental retardation, autosomal recessive 53; NEURODEVELOPMENTAL DISORDER WITH OR WITHOUT HYPOTONIA, SEIZURES, AND CEREBELLAR ATROPHY. Identifiers: Orphanet 488635, MedGen C4310794, MONDO:0014832, OMIM 616917.

Submission:

Labcorp Genetics (formerly Invitae), Labcorp
Classification: Uncertain significance for Intellectual disability, autosomal recessive 53. Last evaluated: 2021-11-25. Review status: criteria provided, single submitter. Criteria: Invitae Variant Classification Sherloc (09022015). Collection method: clinical testing. Allele origin: germline.
Comment: In summary, the available evidence is currently insufficient to determine the role of this variant in disease. Therefore, it has been classified as a Variant of Uncertain Significance. Experimental studies and prediction algorithms are not available or were not evaluated, and the functional significance of this variant is currently unknown. This variant has not been reported in the literature in individuals affected with PIGG-related conditions. This variant results in a copy number gain of the genomic region encompassing exon(s) 11-13 of the PIGG gene. This region includes the termination codon of the gene. This copy number gain extends beyond the assayed region for this gene and therefore may encompass additional genes. As the precise location of this event is unknown, it may be in tandem or it may be located elsewhere in the genome.

NC_000004.11:g.(?_524205)_(533158_?)dup

Gene: PIGG (phosphatidylinositol glycan anchor biosynthesis class G (EMM blood group); plus strand). Cytogenetic location: 4p16.3.
Variant type: Duplication.
Identifiers: ClinVar variation 2423745 (VCV002423745.6).